The following is an entry in ClinVar:

NM_017534.6(MYH2):c.572G>A (p.Arg191His)

Genes: MYH2 (myosin heavy chain 2; minus strand), MYHAS (myosin heavy chain gene cluster antisense RNA; plus strand), LOC126862501 (CDK7 strongly-dependent group 2 enhancer GRCh37_chr17:10446256-10447455; plus strand). Cytogenetic location: 17p13.1.
Variant type: single nucleotide variant.
Coding change: c.572G>A on transcript NM_017534.6 (MANE Select); coding-DNA position 572, G replaced by A.
Protein change: p.Arg191His; replaces arginine 191 with histidine.
Molecular consequence: missense variant.
Genome position (GRCh38, 1-based): chr17:10,543,978, C>T on the plus strand (G>A on the coding strand, the complement: MYH2 is on the minus strand). VCF-style: chr17-10543978-C-T. GRCh37 (hg19) VCF-style: chr17-10447295-C-T.
Other names: c.572G>A, p.Arg191His (NM_001100112.2); short protein forms R191H.
Identifiers: ClinVar variation 1391989 (VCV001391989.13), dbSNP rs778659452, ClinGen allele CA8391592.

ClinVar aggregate classification (germline): Uncertain significance (1 of 4 stars; one submission).

Conditions:
Myopathy, proximal, and ophthalmoplegia (CMYO6). Also called: CONGENITAL MYOPATHY 6 WITH OPHTHALMOPLEGIA; INCLUSION BODY MYOPATHY 3, AUTOSOMAL DOMINANT; MYOPATHY WITH CONGENITAL JOINT CONTRACTURES, OPHTHALMOPLEGIA, AND RIMMED VACUOLES. Identifiers: Orphanet 363677, Orphanet 79091, MedGen C1854106, MONDO:0011577, OMIM 605637.

Allele frequency attached by ClinVar (database versions not stated): gnomAD 0.00001 and 0.00003; gnomAD exomes 0.00001; ExAC 0.00002; TOPMed 0.00005.
gnomAD v4.1: 18 of 1,614,048 alleles (0.0011%); highest among the groups gnomAD compares: African/African-American, 0.0027%; no homozygotes.

Submission:

Labcorp Genetics (formerly Invitae), Labcorp
Classification: Uncertain significance for Myopathy, proximal, and ophthalmoplegia. Last evaluated: 2021-05-30. Review status: criteria provided, single submitter. Criteria: Invitae Variant Classification Sherloc (09022015). Collection method: clinical testing. Allele origin: germline.
Comment: Algorithms developed to predict the effect of missense changes on protein structure and function are either unavailable or do not agree on the potential impact of this missense change (SIFT: "Deleterious"; PolyPhen-2: "Benign"; Align-GVGD: "Class C25"). In summary, the available evidence is currently insufficient to determine the role of this variant in disease. Therefore, it has been classified as a Variant of Uncertain Significance. This sequence change replaces arginine with histidine at codon 191 of the MYH2 protein (p.Arg191His). The arginine residue is highly conserved and there is a small physicochemical difference between arginine and histidine. This variant is present in population databases (rs778659452, ExAC 0.01%). This variant has not been reported in the literature in individuals with MYH2-related conditions.